The following is an entry in ClinVar:

ClinVar aggregate classification (germline): Pathogenic (1 of 4 stars; one submission).

Conditions:
Long QT syndrome (LQTS). Identifiers: MedGen C0023976, MeSH D008133, MONDO:0002442. Disease mechanism: loss of function. Inheritance: Various modes of inheritance.

Submission:

Labcorp Genetics (formerly Invitae), Labcorp
Classification: Pathogenic for Long QT syndrome. Last evaluated: 2016-07-18. Review status: criteria provided, single submitter. Criteria: Invitae Variant Classification Sherloc (09022015). Collection method: clinical testing. Allele origin: germline.
Comment: This variant is a gross deletion of the genomic region encompassing exons 3-15 of the KCNH2 gene. The 5' boundary is likely confined to intron 2. The 3' end of this event is unknown as it extends through the termination codon beyond the assayed region for this gene and may encompass additional genes. While this deletion is not anticipated to result in nonsense mediated decay, it is expected to create a truncated KCNH2 protein. Although this specific deletion has not been previously reported, gross deletions in KCNH2 are known to be pathogenic (PMID: 18774102, 21185499). For these reasons, this variant has been classified as Pathogenic.

NC_000007.14:g.(?_150944956)_(150959736_?)del

Gene: KCNH2 (potassium voltage-gated channel subfamily H member 2; minus strand). Cytogenetic location: 7q36.1.
Variant type: Deletion.
Identifiers: ClinVar variation 417346 (VCV000417346.1).